The following is an entry in ClinVar:

ClinVar aggregate classification (germline): Uncertain significance. Review status: criteria provided, multiple submitters, no conflicts (2 of 4 stars). 2 submissions from 2 submitters: Uncertain significance (2). Last evaluated 2025-04-02.

Allele frequency attached by ClinVar (database versions not stated): gnomAD 0.00001; TOPMed 0.00001; gnomAD exomes 0.00002; ESP Exome Variant Server 0.00008; ExAC 0.00002.
gnomAD v4.1: 34 of 1,583,094 alleles (0.0021%); highest among the groups gnomAD compares: South Asian, 0.0034%; no homozygotes.

Submissions (2):

Labcorp Genetics (formerly Invitae), Labcorp
Classification: Uncertain significance. Last evaluated: 2025-04-02. Review status: criteria provided, single submitter. Criteria: Invitae Variant Classification Sherloc (09022015). Collection method: clinical testing. Allele origin: germline.
Comment: This sequence change replaces arginine, which is basic and polar, with cysteine, which is neutral and slightly polar, at codon 139 of the ARHGEF1 protein (p.Arg139Cys). This variant is present in population databases (rs369826806, gnomAD 0.007%). This variant has not been reported in the literature in individuals affected with ARHGEF1-related conditions. ClinVar contains an entry for this variant (Variation ID: 2256742). An algorithm developed to predict the effect of missense changes on protein structure and function (PolyPhen-2) suggests that this variant is likely to be disruptive. In summary, the available evidence is currently insufficient to determine the role of this variant in disease. Therefore, it has been classified as a Variant of Uncertain Significance.

Ambry Genetics
Classification: Uncertain significance. Last evaluated: 2021-10-22. Review status: criteria provided, single submitter. Criteria: Ambry Variant Classification Scheme 2023. Collection method: clinical testing. Allele origin: germline.

NM_004706.4(ARHGEF1):c.370C>T (p.Arg124Cys)

Gene: ARHGEF1 (Rho guanine nucleotide exchange factor 1; plus strand). Cytogenetic location: 19q13.2.
Variant type: single nucleotide variant.
Coding change: c.370C>T on transcript NM_004706.4 (MANE Select); coding-DNA position 370, C replaced by T.
Protein change: p.Arg124Cys; replaces arginine 124 with cysteine.
Molecular consequence: missense variant. On other transcripts: non-coding transcript variant (2).
Genome position (GRCh38, 1-based): chr19:41,892,605, C>T. VCF-style: chr19-41892605-C-T. GRCh37 (hg19) VCF-style: chr19-42396676-C-T.
Other names: c.370C>T, p.Arg124Cys (NM_001396000.1, NM_001396003.1, NM_001396006.1); c.271C>T, p.Arg91Cys (NM_001396002.1, NM_001396004.1, NM_198977.2); c.415C>T, p.Arg139Cys (NM_199002.2); short protein forms R124C, R139C, R91C.
Identifiers: ClinVar variation 2256742 (VCV002256742.4), dbSNP rs369826806, ClinGen allele CA9465899.